The following is an entry in ClinVar:

ClinVar aggregate classification (germline): Benign. Review status: criteria provided, multiple submitters, no conflicts (2 of 4 stars). 6 submissions from 5 submitters: Benign (6). Last evaluated 2024-01-24.

Conditions:
Hennekam lymphangiectasia-lymphedema syndrome 2 (HKLLS2). Identifiers: Orphanet 2136, MedGen C4014939, MONDO:0014454, OMIM 616006.
Van Maldergem syndrome 2 (VMLDS2). Identifiers: Orphanet 314679, MedGen C3809875, MONDO:0014242, OMIM 615546.

Allele frequency attached by ClinVar (database versions not stated): gnomAD 0.99306 and 0.99271; ExAC 0.99783; 1000 Genomes Project 0.99081; TOPMed 0.99202; ESP Exome Variant Server 0.99328; gnomAD exomes 0.99932 and 0.99799; 1000 Genomes Project 30x 0.98798.
gnomAD v4.1: 1,525,480 of 1,527,508 alleles (100%); highest among the groups gnomAD compares: East Asian, 100%; 761,751 homozygotes.

Submissions (6):

Unidad de Genómica Garrahan, Hospital de Pediatría Garrahan
Classification: Benign. Last evaluated: 2024-01-24. Review status: criteria provided, single submitter. Criteria: ACMG Guidelines, 2015. Collection method: clinical testing. Allele origin: germline. Affected: no. Observed: 95 variant alleles.
Comment: This variant is classified as Benign based on local population frequency. This variant was detected in 100% of patients studied by a panel of primary immunodeficiencies. Number of patients: 95. Only high quality variants are reported.

Genome-Nilou Lab
Classification: Benign for Hennekam lymphangiectasia-lymphedema syndrome 2. Last evaluated: 2021-08-10. Review status: criteria provided, single submitter. Criteria: ACMG Guidelines, 2015. Collection method: clinical testing. Allele origin: germline. Affected: no.

Genome-Nilou Lab
Classification: Benign for Van Maldergem syndrome 2. Last evaluated: 2021-08-10. Review status: criteria provided, single submitter. Criteria: ACMG Guidelines, 2015. Collection method: clinical testing. Allele origin: germline. Affected: no.

Mayo Clinic Laboratories, Mayo Clinic
Classification: Benign. Last evaluated: 2021-04-07. Review status: criteria provided, single submitter. Criteria: ACMG Guidelines, 2015. Collection method: clinical testing. Allele origin: germline. Observed: 1 variant allele.

GeneDx
Classification: Benign. Last evaluated: 2018-06-26. Review status: criteria provided, single submitter. Criteria: GeneDx Variant Classification Process June 2021. Collection method: clinical testing. Allele origin: germline. Affected: yes.

Breakthrough Genomics
Classification: Benign. Review status: criteria provided, single submitter. Criteria: ACMG Guidelines, 2015. Collection method: not provided. Allele origin: germline. Inheritance: Autosomal recessive inheritance. Affected: yes.

NM_001291303.3(FAT4):c.6843+29G>T

Gene: FAT4 (FAT atypical cadherin 4; plus strand). Cytogenetic location: 4q28.1.
Variant type: single nucleotide variant.
Coding change: c.6843+29G>T on transcript NM_001291303.3 (MANE Select); 29 bases into the intron after coding-DNA position 6843, G replaced by T.
Molecular consequence: intron variant.
Genome position (GRCh38, 1-based): chr4:125,415,835, G>T. VCF-style: chr4-125415835-G-T. GRCh37 (hg19) VCF-style: chr4-126336990-G-T.
Other names: p.?; c.6843+29G>T (NM_001291285.3, NM_024582.6).
Identifiers: ClinVar variation 1285260 (VCV001285260.8), dbSNP rs10010000, ClinGen allele CA3072995.